The following is an entry in ClinVar:

NM_003108.4(SOX11):c.1007C>T (p.Ser336Leu)

Gene: SOX11 (SRY-box transcription factor 11; plus strand). Cytogenetic location: 2p25.2.
Variant type: single nucleotide variant.
Coding change: c.1007C>T on transcript NM_003108.4 (MANE Select); coding-DNA position 1007, C replaced by T.
Protein change: p.Ser336Leu; replaces serine 336 with leucine.
Molecular consequence: missense variant.
Genome position (GRCh38, 1-based): chr2:5,693,728, C>T. VCF-style: chr2-5693728-C-T. GRCh37 (hg19) VCF-style: chr2-5833860-C-T.
Other names: short protein forms S336L.
Identifiers: ClinVar variation 2581376 (VCV002581376.1), dbSNP rs1375803449, ClinGen allele CA345867917.

ClinVar aggregate classification (germline): Uncertain significance (1 of 4 stars; one submission).

Allele frequency attached by ClinVar (database versions not stated): gnomAD exomes below 0.00001.

Submission:

Women's Health and Genetics/Laboratory Corporation of America, LabCorp
Classification: Uncertain significance. Last evaluated: 2023-08-25. Review status: criteria provided, single submitter. Criteria: LabCorp Variant Classification Summary - May 2015. Collection method: clinical testing. Allele origin: germline.
Comment: Variant summary: SOX11 c.1007C>T (p.Ser336Leu) results in a non-conservative amino acid change in the encoded protein sequence. Four of five in-silico tools predict a damaging effect of the variant on protein function. The variant allele was found at a frequency of 4.9e-06 in 205964 control chromosomes. The available data on variant occurrences in the general population are insufficient to allow any conclusion about variant significance. To our knowledge, no occurrence of c.1007C>T in individuals affected with Mental Retardation, Autosomal Dominant 27 and no experimental evidence demonstrating its impact on protein function have been reported. No submitters have cited clinical-significance assessments for this variant to ClinVar after 2014. Based on the evidence outlined above, the variant was classified as uncertain significance.